The following is an entry in ClinVar:

NM_022552.5(DNMT3A):c.2409-2A>T

Gene: DNMT3A (DNA methyltransferase 3 alpha; minus strand). Cytogenetic location: 2p23.3.
Variant type: single nucleotide variant.
Coding change: c.2409-2A>T on transcript NM_022552.5 (MANE Select); the canonical splice acceptor site of the intron before coding-DNA position 2409, A replaced by T.
Molecular consequence: splice acceptor variant.
Genome position (GRCh38, 1-based): chr2:25,237,007, T>A on the plus strand (A>T on the coding strand, the complement: DNMT3A is on the minus strand). VCF-style: chr2-25237007-T-A. GRCh37 (hg19) VCF-style: chr2-25459876-T-A.
Other names: c.2409-2A>T (NM_175629.2); c.1842-2A>T (NM_153759.3); c.1953-2A>T (NM_001320893.1); c.1740-2A>T (NM_001375819.1).
Identifiers: ClinVar variation 3256560 (VCV003256560.1).

ClinVar aggregate classification (germline): Pathogenic (1 of 4 stars; one submission).

Conditions:
Tatton-Brown-Rahman overgrowth syndrome. Also called: Tatton-Brown-Rahman syndrome; Tall stature-intellectual disability-facial dysmorphism syndrome. Identifiers: Orphanet 404443, MedGen C4014545, MONDO:0014382, OMIM 615879.

Submission:

Laboratory of Medical Genetics, National & Kapodistrian University of Athens
Classification: Pathogenic for Tatton-Brown-Rahman overgrowth syndrome. Last evaluated: 2023-12-14. Review status: criteria provided, single submitter. Criteria: ACMG Guidelines, 2015. Collection method: clinical testing. Allele origin: de novo. Affected: yes.
Comment: PVS1, PS2, PM2 - It is predicted to disrupted splicing of mRNA. Low frequency in gnomAD population databases. The variant was detected de-novo (paternity confirmed).